The following is an entry in ClinVar:

NM_001009944.3(PKD1):c.4856C>T (p.Ser1619Phe)

Gene: PKD1 (polycystin 1, transient receptor potential channel interacting; minus strand). Cytogenetic location: 16p13.3.
Variant type: single nucleotide variant.
Coding change: c.4856C>T on transcript NM_001009944.3 (MANE Select); coding-DNA position 4856, C replaced by T.
Protein change: p.Ser1619Phe; replaces serine 1619 with phenylalanine.
Molecular consequence: missense variant.
Genome position (GRCh38, 1-based): chr16:2,110,311, G>A on the plus strand (C>T on the coding strand, the complement: PKD1 is on the minus strand). VCF-style: chr16-2110311-G-A. GRCh37 (hg19) VCF-style: chr16-2160312-G-A.
Other names: c.4856C>T, p.Ser1619Phe (NM_000296.4); short protein forms S1619F.
Identifiers: ClinVar variation 618801 (VCV000618801.38), dbSNP rs146723506, ClinGen allele CA7832216.

ClinVar aggregate classification (germline): Conflicting classifications of pathogenicity. Review status: criteria provided, conflicting classifications (1 of 4 stars). 7 submissions from 7 submitters: Uncertain significance (1); Benign (2); Likely benign (2). 2 of the submissions do not count toward it. Last evaluated 2026-02-02.

Conditions:
Polycystic kidney disease, adult type (PKD1). Also called: POLYCYSTIC KIDNEY DISEASE 1 WITH OR WITHOUT POLYCYSTIC LIVER DISEASE; Polycystic Kidney Disease 1, Autosomal Dominant; Polycystic kidney disease 1; Polycystic kidney disease 1, severe; POLYCYSTIC KIDNEY DISEASE, ADULT, TYPE I; Polycystic Kidney, Autosomal Dominant. Identifiers: MedGen C3149841, MONDO:0008263, OMIM 173900.
PKD1-related disorder. Also called: PKD1-related condition.

Allele frequency attached by ClinVar (database versions not stated): gnomAD 0.00053 and 0.00061; TOPMed 0.00056; 1000 Genomes Project 0.00060; 1000 Genomes Project 30x 0.00062; ESP Exome Variant Server 0.00092.
gnomAD v4.1: 1,002 of 1,612,634 alleles (0.062%); highest among the groups gnomAD compares: Admixed American, 0.15%; 3 homozygotes.

Submissions (7):

Women's Health and Genetics/Laboratory Corporation of America, LabCorp
Classification: Uncertain significance. Last evaluated: 2026-02-02. Review status: criteria provided, single submitter. Criteria: LabCorp Variant Classification Summary - May 2015. Collection method: clinical testing. Allele origin: germline.
Comment: Variant summary: PKD1 c.4856C>T (p.Ser1619Phe) results in a non-conservative amino acid change in the encoded protein sequence. Algorithms developed to predict the effect of missense changes on protein structure and function are either unavailable or do not agree on the potential impact of this missense change. The variant allele was found at a frequency of 0.00063 in 249272 control chromosomes, including one homozygote, and predominantly at a frequency of 0.0016 within the Latino subpopulation in the gnomAD database. This frequency is not significantly higher than estimated for disease-causing variants in PKD1, allowing no conclusion about variant significance. c.4856C>T has been observed in individuals affected with Polycystic Kidney Disease, including one individual who harbored a second PKD1 variant, although phase was not specified (e.g. Irazabal_2011, Carrera_2016). These reports do not provide unequivocal conclusions about association of the variant with Polycystic Kidney Disease. To our knowledge, no experimental evidence demonstrating an impact on protein function has been reported. The following publications have been ascertained in the context of this evaluation (PMID: 27499327, 21551026). ClinVar contains an entry for this variant (Variation ID: 618801). Based on the evidence outlined above, the variant was classified as uncertain significance.

CeGaT Center for Human Genetics Tuebingen
Classification: Benign. Last evaluated: 2025-06-01. Review status: criteria provided, single submitter. Criteria: CeGaT Center For Human Genetics Tuebingen Variant Classification Criteria Version 2. Collection method: clinical testing. Allele origin: germline. Affected: yes. Observed: 3 variant alleles.
Comment: PKD1: BP4, BS1, BS2

Blueprint Genetics
Classification: Likely benign. Last evaluated: 2024-11-13. Review status: criteria provided, single submitter. Criteria: ACMG Guidelines, 2015. Collection method: clinical testing. Allele origin: germline.

GeneDx
Classification: Benign. Last evaluated: 2021-03-15. Review status: criteria provided, single submitter. Criteria: GeneDx Variant Classification Process June 2021. Collection method: clinical testing. Allele origin: germline. Affected: yes.
Comment: In silico analysis, which includes protein predictors and evolutionary conservation, supports a deleterious effect; This variant is associated with the following publications: (PMID: 21551026, 27499327, 23760289)

ARUP Laboratories, Molecular Genetics and Genomics, ARUP Laboratories
Classification: Likely benign for Polycystic kidney disease, adult type. Last evaluated: 2019-05-01. Review status: criteria provided, single submitter. Criteria: ARUP Molecular Germline Variant Investigation Process. Collection method: clinical testing. Allele origin: germline.

PreventionGenetics, part of Exact Sciences
Classification: Likely benign for PKD1-related condition. Last evaluated: 2023-02-17. Review status: no assertion criteria provided. Collection method: clinical testing. Allele origin: germline. Not counted in ClinVar's aggregate classification.
Comment: This variant is classified as likely benign based on ACMG/AMP sequence variant interpretation guidelines (Richards et al. 2015 PMID: 25741868, with internal and published modifications).

Department of Pathology and Laboratory Medicine, Sinai Health System
Classification: Uncertain significance. Review status: no assertion criteria provided. Collection method: clinical testing. Allele origin: unknown. Affected: yes. Study: The Canadian Open Genetics Repository (COGR). Not counted in ClinVar's aggregate classification.
Comment: The PKD1 p.Ser1619Phe variant was identified in the compound heterozygous state in 1 of 26 patients (freq=0.019) with Autosomal Dominant Polycystic Kidney Disease (ADPKD) and unruptured intracranial aneurysms (Irazabal MV_2011_PMID:21551026). The variant was also identified in dbSNP (ID: rs146723506), ClinVar (classified as likely benignâ€šÃ„Ã£ by ARUP laboratories), LOVD 3.0 (classified as a VUS by 2 submitters) and the ADPKD Mutation Database (classified as likely neutral). The variant was not identified in PKD1-LOVD. The variant was identified in control databases in 172 of 280654 chromosomes (1 homozygous) at a frequency of 0.000613 increasing the likelihood this could be a low frequency benign variant (Genome Aggregation Database Feb 27, 2017). The variant was observed in the following populations: Latino in 56 of 35412 chromosomes (freq: 0.001581), Other in 11 of 7172 chromosomes (freq: 0.001534), European (non-Finnish) in 102 of 127430 chromosomes (freq: 0.0008) and African in 3 of 24758 chromosomes (freq: 0.000121), but was not observed in the Ashkenazi Jewish, East Asian, European (Finnish) or South Asian populations. The p.Ser1619 residue is conserved in mammals and computational analyses (SIFT, AlignGVGD, BLOSUM, MutationTaster) provide inconsistent predictions regarding the impact to the protein; this information is not very predictive of pathogenicity. The variant occurs outside of the splicing consensus sequence and three of four in silico or computational prediction software programs (SpliceSiteFinder, MaxEntScan, NNSPLICE, GeneSplicer) do not predict a greater than 10% difference in splicing. In summary, based on the above information the clinical significance of this variant cannot be determined with certainty at this time. This variant is classified as a variant of uncertain significance.

Literature cited by the submitters: PubMed 27499327 (cited by Women's Health and Genetics/Laboratory Corporation of America, LabCorp); PubMed 21551026 (cited by Women's Health and Genetics/Laboratory Corporation of America, LabCorp).